The following is an entry in ClinVar:

NM_006035.4(CDC42BPB):c.4231C>T (p.Pro1411Ser)

Gene: CDC42BPB (CDC42 binding protein kinase beta; minus strand). Cytogenetic location: 14q32.32.
Variant type: single nucleotide variant.
Coding change: c.4231C>T on transcript NM_006035.4 (MANE Select); coding-DNA position 4231, C replaced by T.
Protein change: p.Pro1411Ser; replaces proline 1411 with serine.
Molecular consequence: missense variant.
Genome position (GRCh38, 1-based): chr14:102,944,068, G>A on the plus strand (C>T on the coding strand, the complement: CDC42BPB is on the minus strand). VCF-style: chr14-102944068-G-A. GRCh37 (hg19) VCF-style: chr14-103410405-G-A.
Other names: c.4153C>T, p.Pro1385Ser (NM_001411054.1); short protein forms P1385S, P1411S.
Identifiers: ClinVar variation 3048064 (VCV003048064.2), dbSNP rs145737227, ClinGen allele CA7360510.
Genomic context (GRCh38, chr14:102,944,068, plus strand): 5'-CCACAGCACAAAGGGCATCAAAAGACTGTTGTGAGAGGAACGCAAGCGAGGGGTCATTGG[G>A]ATTTACCAGGTTTAGAGGCTGCCCGTCCCCCTGGATGCTCAGCAGGCAGAACCCAGAAGG-3'
Protein context (NP_006026.3, residues 1401-1421): GDGQPLNLVN[Pro1411Ser]NDPSLAFLSQ

ClinVar aggregate classification (germline): Benign (0 of 4 stars; one submission).

Conditions:
CDC42BPB-related disorder.

Allele frequency attached by ClinVar (database versions not stated): ExAC 0.00107; ESP Exome Variant Server 0.00261; gnomAD 0.00336; 1000 Genomes Project 30x 0.00453; 1000 Genomes Project 0.00519.
gnomAD v4.1: 975 of 1,613,590 alleles (0.06%); highest among the groups gnomAD compares: African/African-American, 1.1%; 3 homozygotes.

Submission:

PreventionGenetics, part of Exact Sciences
Classification: Benign for CDC42BPB-related condition. Last evaluated: 2022-07-20. Review status: no assertion criteria provided. Collection method: clinical testing. Allele origin: germline.
Comment: This variant is classified as benign based on ACMG/AMP sequence variant interpretation guidelines (Richards et al. 2015 PMID: 25741868, with internal and published modifications).